The following is an entry in ClinVar:

ClinVar aggregate classification (germline): Conflicting classifications of pathogenicity. Review status: criteria provided, conflicting classifications (1 of 4 stars). 5 submissions from 5 submitters: Uncertain significance (1); Benign (2); Likely benign (2). Last evaluated 2026-03-27.

Conditions:
Melnick-Needles syndrome (MNS). Also called: MELNICK-NEEDLES OSTEODYSPLASTY; OSTEODYSPLASTY OF MELNICK AND NEEDLES; Melnick-Needles Syndrome (FLNA-MNS). Identifiers: Orphanet 2484, MedGen C0025237, MONDO:0010650, OMIM 309350.
Oto-palato-digital syndrome, type II (OPD2). Also called: FACIOPALATOOSSEOUS SYNDROME; OPD II SYNDROME; Otopalatodigital Syndrome, Type II; Otopalatodigital Syndrome Type 2 (FLNA-OPD2). Identifiers: Orphanet 669, Orphanet 90652, MedGen C1844696, MONDO:0010571, OMIM 304120.
Frontometaphyseal dysplasia (FMD1). Identifiers: Orphanet 1826, MedGen C0265293, MONDO:0015942.
Heterotopia, periventricular, X-linked dominant (PVNH1). Also called: PERIVENTRICULAR NODULAR HETEROTOPIA 1; X-linked periventricular heterotopia; PERIVENTRICULAR NODULAR HETEROTOPIA 4; HETEROTOPIA, PERIVENTRICULAR, 1. Identifiers: Orphanet 2149, Orphanet 82004, MedGen C1848213, MONDO:0010233, OMIM 300049.
Familial thoracic aortic aneurysm and aortic dissection (TAAD). Also called: Thoracic aortic aneurysms and dissections. Identifiers: Orphanet 91387, MedGen C4707243, MONDO:0019625.

Allele frequency attached by ClinVar (database versions not stated): gnomAD 0.00015 and 0.00016; 1000 Genomes Project 0.00026; gnomAD exomes 0.00005 and 0.00018; ExAC 0.00013; 1000 Genomes Project 30x 0.00021.
gnomAD v4.1: 73 of 1,210,753 alleles (0.006%); highest among the groups gnomAD compares: East Asian, 0.003%; no homozygotes.

Submissions (5):

GeneDx
Classification: Uncertain significance. Last evaluated: 2026-03-27. Review status: criteria provided, single submitter. Criteria: GeneDx Variant Classification Process June 2021. Collection method: clinical testing. Allele origin: germline.
Comment: Has not been previously published as pathogenic or benign to our knowledge; In silico analysis supports that this missense variant has a deleterious effect on protein structure/function

Labcorp Genetics (formerly Invitae), Labcorp
Classification: Benign for Oto-palato-digital syndrome, type II; Heterotopia, periventricular, X-linked dominant; Frontometaphyseal dysplasia; Melnick-Needles syndrome. Last evaluated: 2026-01-17. Review status: criteria provided, single submitter. Criteria: Invitae Variant Classification Sherloc (09022015). Collection method: clinical testing. Allele origin: germline.

Mayo Clinic Laboratories, Mayo Clinic
Classification: Benign. Last evaluated: 2025-09-04. Review status: criteria provided, single submitter. Criteria: ACMG Guidelines, 2015. Collection method: clinical testing. Allele origin: germline. Observed: 1 variant allele.
Comment: BS1, BS2

Blueprint Genetics
Classification: Likely benign. Last evaluated: 2024-10-09. Review status: criteria provided, single submitter. Criteria: ACMG Guidelines, 2015. Collection method: clinical testing. Allele origin: germline.

Ambry Genetics
Classification: Likely benign for Familial thoracic aortic aneurysm and aortic dissection. Last evaluated: 2023-03-30. Review status: criteria provided, single submitter. Criteria: Ambry Variant Classification Scheme 2023. Collection method: clinical testing. Allele origin: germline.

NM_001110556.2(FLNA):c.5534G>A (p.Arg1845His)

Gene: FLNA (filamin A; minus strand). Cytogenetic location: Xq28.
Variant type: single nucleotide variant.
Coding change: c.5534G>A on transcript NM_001110556.2 (MANE Select); coding-DNA position 5534, G replaced by A.
Protein change: p.Arg1845His; replaces arginine 1845 with histidine.
Molecular consequence: missense variant.
Genome position (GRCh38, 1-based): chrX:154,354,174, C>T on the plus strand (G>A on the coding strand, the complement: FLNA is on the minus strand). VCF-style: chrX-154354174-C-T. GRCh37 (hg19) VCF-style: chrX-153582542-C-T.
Other names: p.Arg1837His; c.5510G>A (NM_001456.3); c.5510G>A, p.Arg1837His (NM_001456.4); short protein forms R1837H, R1845H.
Identifiers: ClinVar variation 1598956 (VCV001598956.13), dbSNP rs782193125, ClinGen allele CA10560293.